The following is an entry in ClinVar:

ClinVar aggregate classification (germline): Benign (1 of 4 stars; one submission).

Conditions:
Left-right axis malformations. Identifiers: MedGen C1866091.

Allele frequency attached by ClinVar (database versions not stated): TOPMed 0.00014; gnomAD exomes 0.00128; 1000 Genomes Project 0.00399; 1000 Genomes Project 30x 0.00484.

Submission:

Illumina Laboratory Services, Illumina
Classification: Benign for Left-right axis malformations. Last evaluated: 2018-01-13. Review status: criteria provided, single submitter. Criteria: ICSL Variant Classification Criteria 13 December 2019. Collection method: clinical testing. Allele origin: germline.
Comment: This variant was observed in the ICSL laboratory as part of a predisposition screen in an ostensibly healthy population. It had not been previously curated by ICSL or reported in the Human Gene Mutation Database (HGMD: prior to June 1st, 2018), and was therefore a candidate for classification through an automated scoring system. Utilizing variant allele frequency, disease prevalence and penetrance estimates, and inheritance mode, an automated score was calculated to assess if this variant is too frequent to cause the disease. Based on the score and internal cut-off values, a variant classified as benign is not then subjected to further curation. The score for this variant resulted in a classification of benign for this disease.

NM_003240.5(LEFTY2):c.*571C>T

Gene: LEFTY2 (left-right determination factor 2; minus strand). Cytogenetic location: 1q42.12.
Variant type: single nucleotide variant.
Coding change: c.*571C>T on transcript NM_003240.5 (MANE Select); 571 bases downstream of the stop codon, C replaced by T.
Molecular consequence: 3 prime UTR variant.
Genome position (GRCh38, 1-based): chr1:225,936,870, G>A on the plus strand (C>T on the coding strand, the complement: LEFTY2 is on the minus strand). VCF-style: chr1-225936870-G-A. GRCh37 (hg19) VCF-style: chr1-226124570-G-A.
Other names: c.*571C>T (NM_001172425.3).
Identifiers: ClinVar variation 876161 (VCV000876161.4), dbSNP rs543240181, ClinGen allele CA38550486.